The following is an entry in ClinVar:

ClinVar aggregate classification (germline): Uncertain significance (1 of 4 stars; one submission).

Submission:

Labcorp Genetics (formerly Invitae), Labcorp
Classification: Uncertain significance. Last evaluated: 2023-01-03. Review status: criteria provided, single submitter. Criteria: Invitae Variant Classification Sherloc (09022015). Collection method: clinical testing. Allele origin: germline.
Comment: In summary, the available evidence is currently insufficient to determine the role of this variant in disease. Therefore, it has been classified as a Variant of Uncertain Significance. Advanced modeling of protein sequence and biophysical properties (such as structural, functional, and spatial information, amino acid conservation, physicochemical variation, residue mobility, and thermodynamic stability) performed at Invitae indicates that this missense variant is not expected to disrupt NFKB1 protein function. This variant has not been reported in the literature in individuals affected with NFKB1-related conditions. This variant is not present in population databases (gnomAD no frequency). This sequence change replaces glycine, which is neutral and non-polar, with arginine, which is basic and polar, at codon 399 of the NFKB1 protein (p.Gly399Arg).

NM_003998.4(NFKB1):c.1195G>A (p.Gly399Arg)

Gene: NFKB1 (nuclear factor kappa B subunit 1; plus strand). Cytogenetic location: 4q24.
Variant type: single nucleotide variant.
Coding change: c.1195G>A on transcript NM_003998.4 (MANE Select); coding-DNA position 1195, G replaced by A.
Protein change: p.Gly399Arg; replaces glycine 399 with arginine.
Molecular consequence: missense variant.
Genome position (GRCh38, 1-based): chr4:102,593,553, G>A. VCF-style: chr4-102593553-G-A. GRCh37 (hg19) VCF-style: chr4-103514710-G-A.
Other names: c.1192G>A, p.Gly398Arg (NM_001165412.2, NM_001319226.2, NM_001382627.1); c.1195G>A, p.Gly399Arg (NM_001382625.1, NM_001382626.1); c.1153G>A, p.Gly385Arg (NM_001382628.1); short protein forms G398R, G399R, G385R.
Identifiers: ClinVar variation 2826065 (VCV002826065.3), dbSNP rs2476487598, ClinGen allele CA357750540.